The following is an entry in ClinVar:

NM_015512.5(DNAH1):c.6014T>C (p.Met2005Thr)

Gene: DNAH1 (dynein axonemal heavy chain 1; plus strand). Cytogenetic location: 3p21.1.
Variant type: single nucleotide variant.
Coding change: c.6014T>C on transcript NM_015512.5 (MANE Select); coding-DNA position 6014, T replaced by C.
Protein change: p.Met2005Thr; replaces methionine 2005 with threonine.
Molecular consequence: missense variant.
Genome position (GRCh38, 1-based): chr3:52,369,895, T>C. VCF-style: chr3-52369895-T-C. GRCh37 (hg19) VCF-style: chr3-52403911-T-C.
Other names: short protein forms M2005T.
Identifiers: ClinVar variation 1898312 (VCV001898312.4), dbSNP rs771330021, ClinGen allele CA74758853.

ClinVar aggregate classification (germline): Uncertain significance (1 of 4 stars; one submission).

Conditions:
Spermatogenic failure 18. Identifiers: MedGen C4539783, MONDO:0054615, OMIM 617576.
Ciliary dyskinesia, primary, 37 (CILD37). Also called: CILIARY DYSKINESIA, PRIMARY, 37, WITH OR WITHOUT SITUS INVERSUS. Identifiers: MedGen C4539798, MONDO:0033204, OMIM 617577.

Allele frequency attached by ClinVar (database versions not stated): gnomAD 0.00002; TOPMed 0.00002.
gnomAD v4.1: 3 of 1,613,862 alleles (0.00019%); highest among the groups gnomAD compares: African/African-American, 0.004%; no homozygotes.

Submission:

Labcorp Genetics (formerly Invitae), Labcorp
Classification: Uncertain significance for Ciliary dyskinesia, primary, 37; Spermatogenic failure 18. Last evaluated: 2021-12-17. Review status: criteria provided, single submitter. Criteria: Invitae Variant Classification Sherloc (09022015). Collection method: clinical testing. Allele origin: germline.
Comment: In summary, the available evidence is currently insufficient to determine the role of this variant in disease. Therefore, it has been classified as a Variant of Uncertain Significance. Algorithms developed to predict the effect of missense changes on protein structure and function (SIFT, PolyPhen-2, Align-GVGD) all suggest that this variant is likely to be disruptive. This variant has not been reported in the literature in individuals affected with DNAH1-related conditions. This variant is present in population databases (no rsID available, gnomAD 0.01%). This sequence change replaces methionine, which is neutral and non-polar, with threonine, which is neutral and polar, at codon 2005 of the DNAH1 protein (p.Met2005Thr).